The following is an entry in ClinVar:

ClinVar aggregate classification (germline): Uncertain significance (1 of 4 stars; one submission).

Conditions:
Pyruvate carboxylase deficiency. Also called: PC DEFICIENCY; ATAXIA WITH LACTIC ACIDOSIS II; LEIGH NECROTIZING ENCEPHALOPATHY DUE TO PYRUVATE CARBOXYLASE DEFICIENCY; LEIGH SYNDROME DUE TO PYRUVATE CARBOXYLASE DEFICIENCY; Pyruvate Carboxylase Deficiency Disease. Identifiers: Orphanet 3008, MedGen C0034341, MONDO:0009949, OMIM 266150.

Submission:

Labcorp Genetics (formerly Invitae), Labcorp
Classification: Uncertain significance for Pyruvate carboxylase deficiency. Last evaluated: 2022-10-24. Review status: criteria provided, single submitter. Criteria: Invitae Variant Classification Sherloc (09022015). Collection method: clinical testing. Allele origin: germline.
Comment: This sequence change replaces phenylalanine, which is neutral and non-polar, with isoleucine, which is neutral and non-polar, at codon 832 of the PC protein (p.Phe832Ile). This variant is not present in population databases (gnomAD no frequency). This variant has not been reported in the literature in individuals affected with PC-related conditions. ClinVar contains an entry for this variant (Variation ID: 1401204). Algorithms developed to predict the effect of missense changes on protein structure and function (SIFT, PolyPhen-2, Align-GVGD) all suggest that this variant is likely to be tolerated. In summary, the available evidence is currently insufficient to determine the role of this variant in disease. Therefore, it has been classified as a Variant of Uncertain Significance.

NM_001040716.2(PC):c.2494T>A (p.Phe832Ile)

Gene: PC (pyruvate carboxylase; minus strand). Cytogenetic location: 11q13.2.
Variant type: single nucleotide variant.
Coding change: c.2494T>A on transcript NM_001040716.2 (MANE Select); coding-DNA position 2494, T replaced by A.
Protein change: p.Phe832Ile; replaces phenylalanine 832 with isoleucine.
Molecular consequence: missense variant.
Genome position (GRCh38, 1-based): chr11:66,850,444, A>T on the plus strand (T>A on the coding strand, the complement: PC is on the minus strand). VCF-style: chr11-66850444-A-T. GRCh37 (hg19) VCF-style: chr11-66617915-A-T.
Other names: c.2494T>A, p.Phe832Ile (NM_000920.4, NM_022172.3); short protein forms F832I.
Identifiers: ClinVar variation 1401204 (VCV001401204.8), dbSNP rs1945409904, ClinGen allele CA381492851.